The following is an entry in ClinVar:

NM_004369.4(COL6A3):c.4286-322C>T

Gene: COL6A3 (collagen type VI alpha 3 chain; minus strand). Cytogenetic location: 2q37.3.
Variant type: single nucleotide variant.
Coding change: c.4286-322C>T on transcript NM_004369.4 (MANE Select); 322 bases into the intron before coding-DNA position 4286, C replaced by T.
Molecular consequence: intron variant.
Genome position (GRCh38, 1-based): chr2:237,369,499, G>A on the plus strand (C>T on the coding strand, the complement: COL6A3 is on the minus strand). VCF-style: chr2-237369499-G-A. GRCh37 (hg19) VCF-style: chr2-238278142-G-A.
Other names: c.2465-322C>T (NM_057166.5); c.3668-322C>T (NM_057167.4).
Identifiers: ClinVar variation 668106 (VCV000668106.1), dbSNP rs2645775, ClinGen allele CA15219643.
Genomic context (GRCh38, chr2:237,369,499, plus strand): 5'-TCTGGGTTACTACTGATTTCTAAAATGTAAGGAGCATTTAGAAATCAATCTTGGGCTACC[G>A]TAATCTACAGAATCATGAACTGTTGCTACCAGAAGAGACCAAGGCCACTGGGATCTATAT-3'

ClinVar aggregate classification (germline): Benign (1 of 4 stars; one submission).

Allele frequency attached by ClinVar (database versions not stated): gnomAD 0.24356 and 0.24623; TOPMed 0.25207; 1000 Genomes Project 0.28195; 1000 Genomes Project 30x 0.28779.
gnomAD v4.1: 37,363 of 152,116 alleles (25%); highest among the groups gnomAD compares: Admixed American, 30%; 4,671 homozygotes.

Submission:

GeneDx
Classification: Benign. Last evaluated: 2018-06-18. Review status: criteria provided, single submitter. Criteria: GeneDx Variant Classification (06012015). Collection method: clinical testing. Allele origin: germline. Affected: yes.
Comment: This variant is considered likely benign or benign based on one or more of the following criteria: it is a conservative change, it occurs at a poorly conserved position in the protein, it is predicted to be benign by multiple in silico algorithms, and/or has population frequency not consistent with disease.